The following is an entry in ClinVar:

ClinVar aggregate classification (germline): Benign. Review status: criteria provided, multiple submitters, no conflicts (2 of 4 stars). 7 submissions from 7 submitters: Benign (7). Last evaluated 2026-05-08.

Conditions:
Short stature due to growth hormone secretagogue receptor deficiency (GHDP). Also called: Short stature due to GHSR deficiency. Identifiers: Orphanet 314811, MedGen C5887324, MONDO:0014403, OMIM 615925.

Allele frequency attached by ClinVar (database versions not stated): 1000 Genomes Project 30x 0.23251; gnomAD 0.24499 and 0.24811; TOPMed 0.24515; ExAC 0.30177; 1000 Genomes Project 0.23802; gnomAD exomes 0.30544 and 0.30783; ESP Exome Variant Server 0.23059.
gnomAD v4.1: 482,598 of 1,612,494 alleles (30%); highest among the groups gnomAD compares: East Asian, 43%; 76,119 homozygotes.

Submissions (7):

Women's Health and Genetics/Laboratory Corporation of America, LabCorp
Classification: Benign. Last evaluated: 2026-05-08. Review status: criteria provided, single submitter. Criteria: LabCorp Variant Classification Summary - May 2015. Collection method: clinical testing. Allele origin: germline.

Labcorp Genetics (formerly Invitae), Labcorp
Classification: Benign. Last evaluated: 2026-02-04. Review status: criteria provided, single submitter. Criteria: Invitae Variant Classification Sherloc (09022015). Collection method: clinical testing. Allele origin: germline.

Genome-Nilou Lab
Classification: Benign for Short stature due to growth hormone secretagogue receptor deficiency. Last evaluated: 2021-08-10. Review status: criteria provided, single submitter. Criteria: ACMG Guidelines, 2015. Collection method: clinical testing. Allele origin: germline. Affected: no.

Illumina Laboratory Services, Illumina
Classification: Benign for Short stature due to growth hormone secretagogue receptor deficiency. Last evaluated: 2018-01-13. Review status: criteria provided, single submitter. Criteria: ICSL Variant Classification Criteria 13 December 2019. Collection method: clinical testing. Allele origin: germline.
Comment: This variant was observed in the ICSL laboratory as part of a predisposition screen in an ostensibly healthy population. It had not been previously curated by ICSL or reported in the Human Gene Mutation Database (HGMD: prior to June 1st, 2018), and was therefore a candidate for classification through an automated scoring system. Utilizing variant allele frequency, disease prevalence and penetrance estimates, and inheritance mode, an automated score was calculated to assess if this variant is too frequent to cause the disease. Based on the score and internal cut-off values, a variant classified as benign is not then subjected to further curation. The score for this variant resulted in a classification of benign for this disease.

GeneDx
Classification: Benign. Last evaluated: 2015-03-03. Review status: criteria provided, single submitter. Criteria: GeneDx Variant Classification Process June 2021. Collection method: clinical testing. Allele origin: germline. Affected: yes.

Breakthrough Genomics
Classification: Benign. Review status: criteria provided, single submitter. Criteria: ACMG Guidelines, 2015. Collection method: not provided. Allele origin: germline. Inheritance: Autosomal dominant inheritance. Affected: yes.

PreventionGenetics, part of Exact Sciences
Classification: Benign. Review status: criteria provided, single submitter. Criteria: ACMG Guidelines, 2015. Collection method: clinical testing. Allele origin: germline.

NM_198407.2(GHSR):c.477G>A (p.Arg159=)

Gene: GHSR (growth hormone secretagogue receptor; minus strand). Cytogenetic location: 3q26.31.
Variant type: single nucleotide variant.
Coding change: c.477G>A on transcript NM_198407.2 (MANE Select); coding-DNA position 477, G replaced by A.
Protein change: p.Arg159=; no amino-acid change (arginine 159 retained).
Molecular consequence: synonymous variant.
Genome position (GRCh38, 1-based): chr3:172,447,937, C>T on the plus strand (G>A on the coding strand, the complement: GHSR is on the minus strand). VCF-style: chr3-172447937-C-T. GRCh37 (hg19) VCF-style: chr3-172165727-C-T.
Other names: c.477G>A, p.Arg159= (NM_004122.2).
Identifiers: ClinVar variation 263110 (VCV000263110.18), dbSNP rs572169, ClinGen allele CA2706459.